The following is an entry in ClinVar:

ClinVar aggregate classification (germline): Uncertain significance (1 of 4 stars; one submission).

Conditions:
Emery-Dreifuss muscular dystrophy 5, autosomal dominant (EDMD5). Also called: EMERY-DREIFUSS MUSCULAR DYSTROPHY 5. Identifiers: Orphanet 261, MedGen C2751805, MONDO:0013072, OMIM 612999.

Allele frequency attached by ClinVar (database versions not stated): gnomAD 0.00001.
gnomAD v4.1: 3 of 1,610,556 alleles (0.00019%); highest among the groups gnomAD compares: Admixed American, 0.0017%; no homozygotes.

Submission:

Labcorp Genetics (formerly Invitae), Labcorp
Classification: Uncertain significance for Emery-Dreifuss muscular dystrophy 5, autosomal dominant. Last evaluated: 2024-02-24. Review status: criteria provided, single submitter. Criteria: Invitae Variant Classification Sherloc (09022015). Collection method: clinical testing. Allele origin: germline.
Comment: This sequence change replaces glutamine, which is neutral and polar, with histidine, which is basic and polar, at codon 3016 of the SYNE2 protein (p.Gln3016His). This variant is not present in population databases (gnomAD no frequency). This variant has not been reported in the literature in individuals affected with SYNE2-related conditions. ClinVar contains an entry for this variant (Variation ID: 2188405). Algorithms developed to predict the effect of missense changes on protein structure and function output the following: SIFT: "Not Available"; PolyPhen-2: "Benign"; Align-GVGD: "Not Available". The histidine amino acid residue is found in multiple mammalian species, which suggests that this missense change does not adversely affect protein function. In summary, the available evidence is currently insufficient to determine the role of this variant in disease. Therefore, it has been classified as a Variant of Uncertain Significance.

NM_182914.3(SYNE2):c.9048A>C (p.Gln3016His)

Gene: SYNE2 (spectrin repeat containing nuclear envelope protein 2; plus strand). Cytogenetic location: 14q23.2.
Variant type: single nucleotide variant.
Coding change: c.9048A>C on transcript NM_182914.3 (MANE Select); coding-DNA position 9048, A replaced by C.
Protein change: p.Gln3016His; replaces glutamine 3016 with histidine.
Molecular consequence: missense variant.
Genome position (GRCh38, 1-based): chr14:64,052,961, A>C. VCF-style: chr14-64052961-A-C. GRCh37 (hg19) VCF-style: chr14-64519679-A-C.
Other names: c.9048A>C, p.Gln3016His (NM_015180.6); short protein forms Q3016H.
Identifiers: ClinVar variation 2188405 (VCV002188405.4), dbSNP rs1035436734, ClinGen allele CA261838727.